The following is an entry in ClinVar:

ClinVar aggregate classification (germline): Uncertain significance (1 of 4 stars; one submission).

Conditions:
Neurofibromatosis, type 1 (NF1). Also called: NEUROFIBROMATOSIS, TYPE I, SOMATIC; Neurofibromatosis, type I; Peripheral type neurofibromatosis; VON RECKLINGHAUSEN DISEASE. Identifiers: Orphanet 636, MedGen C0027831, MONDO:0018975, OMIM 162200. Disease mechanism: loss of function.

Submission:

Labcorp Genetics (formerly Invitae), Labcorp
Classification: Uncertain significance for Neurofibromatosis, type 1. Last evaluated: 2022-03-28. Review status: criteria provided, single submitter. Criteria: Invitae Variant Classification Sherloc (09022015). Collection method: clinical testing. Allele origin: germline.
Comment: This sequence change replaces glutamic acid, which is acidic and polar, with glutamine, which is neutral and polar, at codon 2347 of the NF1 protein (p.Glu2347Gln). This variant is not present in population databases (gnomAD no frequency). This variant has not been reported in the literature in individuals affected with NF1-related conditions. Algorithms developed to predict the effect of missense changes on protein structure and function are either unavailable or do not agree on the potential impact of this missense change (SIFT: "Tolerated"; PolyPhen-2: "Possibly Damaging"; Align-GVGD: "Class C0"). In summary, the available evidence is currently insufficient to determine the role of this variant in disease. Therefore, it has been classified as a Variant of Uncertain Significance.

NM_001042492.3(NF1):c.7102G>C (p.Glu2368Gln)

Gene: NF1 (neurofibromin 1; plus strand). Cytogenetic location: 17q11.2.
Variant type: single nucleotide variant.
Coding change: c.7102G>C on transcript NM_001042492.3 (MANE Select); coding-DNA position 7102, G replaced by C.
Protein change: p.Glu2368Gln; replaces glutamic acid 2368 with glutamine.
Molecular consequence: missense variant.
Genome position (GRCh38, 1-based): chr17:31,343,048, G>C. VCF-style: chr17-31343048-G-C. GRCh37 (hg19) VCF-style: chr17-29670066-G-C.
Other names: c.7039G>C, p.Glu2347Gln (NM_000267.4); short protein forms E2368Q, E2347Q.
Identifiers: ClinVar variation 2119132 (VCV002119132.4), dbSNP rs2151565046, ClinGen allele CA399015585.